The following is an entry in ClinVar:

NM_024537.4(CARS2):c.1291A>G (p.Asn431Asp)

Gene: CARS2 (cysteinyl-tRNA synthetase 2, mitochondrial; minus strand). Cytogenetic location: 13q34.
Variant type: single nucleotide variant.
Coding change: c.1291A>G on transcript NM_024537.4 (MANE Select); coding-DNA position 1291, A replaced by G.
Protein change: p.Asn431Asp; replaces asparagine 431 with aspartic acid.
Molecular consequence: missense variant. On other transcripts: non-coding transcript variant (2).
Genome position (GRCh38, 1-based): chr13:110,645,993, T>C on the plus strand (A>G on the coding strand, the complement: CARS2 is on the minus strand). VCF-style: chr13-110645993-T-C. GRCh37 (hg19) VCF-style: chr13-111298340-T-C.
Other names: c.505A>G, p.Asn169Asp (NM_001352252.2); short protein forms N169D, N431D.
Identifiers: ClinVar variation 2004216 (VCV002004216.4), dbSNP rs755161479, ClinGen allele CA388743534.

ClinVar aggregate classification (germline): Uncertain significance (1 of 4 stars; one submission).

Conditions:
Combined oxidative phosphorylation defect type 27. Also called: Combined oxidative phosphorylation deficiency 27. Identifiers: Orphanet 477774, MedGen C5567608, MONDO:0014728, OMIM 616672.

Submission:

Labcorp Genetics (formerly Invitae), Labcorp
Classification: Uncertain significance for Combined oxidative phosphorylation defect type 27. Last evaluated: 2022-06-20. Review status: criteria provided, single submitter. Criteria: Invitae Variant Classification Sherloc (09022015). Collection method: clinical testing. Allele origin: germline.
Comment: In summary, the available evidence is currently insufficient to determine the role of this variant in disease. Therefore, it has been classified as a Variant of Uncertain Significance. Algorithms developed to predict the effect of missense changes on protein structure and function are either unavailable or do not agree on the potential impact of this missense change (SIFT: "Deleterious"; PolyPhen-2: "Probably Damaging"; Align-GVGD: "Class C0"). This variant has not been reported in the literature in individuals affected with CARS2-related conditions. This variant is not present in population databases (gnomAD no frequency). This sequence change replaces asparagine, which is neutral and polar, with aspartic acid, which is acidic and polar, at codon 431 of the CARS2 protein (p.Asn431Asp).